The following is an entry in ClinVar:

NM_015450.3(POT1):c.1531T>G (p.Ser511Ala)

Gene: POT1 (protection of telomeres 1; minus strand). Cytogenetic location: 7q31.33.
Variant type: single nucleotide variant.
Coding change: c.1531T>G on transcript NM_015450.3 (MANE Select); coding-DNA position 1531, T replaced by G.
Protein change: p.Ser511Ala; replaces serine 511 with alanine.
Molecular consequence: missense variant. On other transcripts: non-coding transcript variant (2).
Genome position (GRCh38, 1-based): chr7:124,829,317, A>C on the plus strand (T>G on the coding strand, the complement: POT1 is on the minus strand). VCF-style: chr7-124829317-A-C. GRCh37 (hg19) VCF-style: chr7-124469371-A-C.
Other names: c.1531T>G (NM_015450.2); c.1138T>G, p.Ser380Ala (NM_001042594.2); short protein forms S380A, S511A.
Identifiers: ClinVar variation 2090580 (VCV002090580.5), dbSNP rs1584749215, ClinGen allele CA369064586.

ClinVar aggregate classification (germline): Uncertain significance. Review status: criteria provided, multiple submitters, no conflicts (2 of 4 stars). 2 submissions from 2 submitters: Uncertain significance (2). Last evaluated 2023-12-16.

Conditions:
Hereditary cancer-predisposing syndrome. Also called: Neoplastic Syndromes, Hereditary; Tumor predisposition; Hereditary Cancer Syndrome; Hereditary neoplastic syndrome. Identifiers: Orphanet 140162, MedGen C0027672, MeSH D009386, MONDO:0015356.
Tumor predisposition syndrome 3 (TPDS3). Also called: Melanoma, cutaneous malignant, susceptibility to, 10; Glioma susceptibility 9; LONG TELOMERE SYNDROME, POT1-RELATED; POT1 Tumor Predisposition. Identifiers: Orphanet 618, MedGen C4014476, MONDO:0014368, OMIM 615848.

Submissions (2):

Ambry Genetics
Classification: Uncertain significance for Hereditary cancer-predisposing syndrome. Last evaluated: 2023-12-16. Review status: criteria provided, single submitter. Criteria: Ambry Variant Classification Scheme 2023. Collection method: clinical testing. Allele origin: germline.
Comment: The p.S511A variant (also known as c.1531T>G), located in coding exon 12 of the POT1 gene, results from a T to G substitution at nucleotide position 1531. The serine at codon 511 is replaced by alanine, an amino acid with similar properties. This amino acid position is conserved. In addition, this alteration is predicted to be tolerated by in silico analysis. Since supporting evidence is limited at this time, the clinical significance of this alteration remains unclear.

Labcorp Genetics (formerly Invitae), Labcorp
Classification: Uncertain significance for Tumor predisposition syndrome 3. Last evaluated: 2023-06-06. Review status: criteria provided, single submitter. Criteria: Invitae Variant Classification Sherloc (09022015). Collection method: clinical testing. Allele origin: germline.
Comment: This sequence change replaces serine, which is neutral and polar, with alanine, which is neutral and non-polar, at codon 511 of the POT1 protein (p.Ser511Ala). This variant is not present in population databases (gnomAD no frequency). This variant has not been reported in the literature in individuals affected with POT1-related conditions. ClinVar contains an entry for this variant (Variation ID: 2090580). Advanced modeling of protein sequence and biophysical properties (such as structural, functional, and spatial information, amino acid conservation, physicochemical variation, residue mobility, and thermodynamic stability) performed at Invitae indicates that this missense variant is not expected to disrupt POT1 protein function. In summary, the available evidence is currently insufficient to determine the role of this variant in disease. Therefore, it has been classified as a Variant of Uncertain Significance.